The following is an entry in ClinVar:

ClinVar aggregate classification (germline): Likely benign. Review status: reviewed by expert panel (3 of 4 stars). 2 submissions from 2 submitters: Likely benign (1). 1 of the submissions does not count toward it. Last evaluated 2024-08-28.

Conditions:
Hereditary thrombocytopenia and hematologic cancer predisposition syndrome. Identifiers: Orphanet 71290, MedGen CN281654, MONDO:0011071.
Hereditary thrombocytopenia and hematological cancer predisposition syndrome associated with RUNX1. Also called: RUNX1 Familial Platelet Disorder with Associated Myeloid Malignancies; Familial Platelet Disorder with Propensity to Acute Myelogenous Leukemia; Familial thrombocytopenia with propensity to acute myelogenous leukemia; PLATELET DISORDER, ASPIRIN-LIKE. Identifiers: Orphanet 71290, MedGen C1832388, MeSH C563324, MONDO:0100083, OMIM 601399.

Allele frequency attached by ClinVar (database versions not stated): gnomAD 0.00003 and 0.00004; 1000 Genomes Project 0.00040; 1000 Genomes Project 30x 0.00047.
gnomAD v4.1: 45 of 1,597,896 alleles (0.0028%); highest among the groups gnomAD compares: East Asian, 0.013%; no homozygotes.

Submissions (2):

ClinGen Myeloid Malignancy Variant Curation Expert Panel
Classification: Likely benign for Hereditary thrombocytopenia and hematologic cancer predisposition syndrome. Last evaluated: 2024-08-28. Review status: reviewed by expert panel. Criteria: ClinGen MyeloMalig ACMG Specifications v2. Collection method: curation. Allele origin: germline. Inheritance: Autosomal dominant inheritance.
Comment: NM_001754.5(RUNX1):c.509-12G>A is a non-coding (intronic) variant. No splicing impact or creation of cryptic splice sites is predicted by SSF and MES. Splice AI predicts no impact on splicing (score: 0) (BP4). Evolutionary conservation algorithms predict the site as not being conserved (PhyloP score 0.755063 < 2.0) (BP7). This variant was reported in ClinVar in 2023 by Invitae, but the affected status of the proband is unknown (Variation ID 1596540). In summary, this variant meets criteria to be classified as likely benign. ACMG/AMP criteria applied, as specified by the Myeloid Malignancy Variant Curation Expert Panel for RUNX1: BP7, BP4.

Labcorp Genetics (formerly Invitae), Labcorp
Classification: Likely benign for Hereditary thrombocytopenia and hematological cancer predisposition syndrome associated with RUNX1. Last evaluated: 2025-08-18. Review status: criteria provided, single submitter. Criteria: Invitae Variant Classification Sherloc (09022015). Collection method: clinical testing. Allele origin: germline. Not counted in ClinVar's aggregate classification.

NM_001754.5(RUNX1):c.509-12G>A

Genes: RUNX1-AS1 (RUNX1 antisense RNA 1; plus strand), RUNX1 (RUNX family transcription factor 1; minus strand). Cytogenetic location: 21q22.12.
Variant type: single nucleotide variant.
Coding change: c.509-12G>A on transcript NM_001754.5 (MANE Select); 12 bases into the intron before coding-DNA position 509, G replaced by A.
Molecular consequence: intron variant.
Genome position (GRCh38, 1-based): chr21:34,859,590, C>T on the plus strand (G>A on the coding strand, the complement: RUNX1 is on the minus strand). VCF-style: chr21-34859590-C-T. GRCh37 (hg19) VCF-style: chr21-36231887-C-T.
Other names: c.428-12G>A (NM_001001890.3, NM_001122607.2).
Identifiers: ClinVar variation 1596540 (VCV001596540.9), dbSNP rs200727741, ClinGen allele CA10014480.
Genomic context (GRCh38, chr21:34,859,590, plus strand): 5'-ACTTGCGGTGGGTTTGTGAAGACAGTGATGGTCAGAGTGAAGCTTTTCCCTGTGGGGACA[C>T]GATAGAGAACAAAACAGAATGAGGTTGGTGGCCTGAACATATCTGTTGAATAACCAATCA-3'